The following is an entry in ClinVar:

ClinVar aggregate classification (germline): Uncertain significance (1 of 4 stars; one submission).

Conditions:
Inborn genetic diseases. Identifiers: MedGen C0950123, MeSH D030342.

Submission:

Ambry Genetics
Classification: Uncertain significance for Inborn genetic diseases. Last evaluated: 2024-08-20. Review status: criteria provided, single submitter. Criteria: Ambry Variant Classification Scheme 2023. Collection method: clinical testing. Allele origin: germline.
Comment: The p.E320K variant (also known as c.958G>A), located in coding exon 7 of the BUB1B gene, results from a G to A substitution at nucleotide position 958. The glutamic acid at codon 320 is replaced by lysine, an amino acid with similar properties. This amino acid position is conserved. In addition, this alteration is predicted to be tolerated by in silico analysis. Based on the available evidence, the clinical significance of this variant remains unclear.

NM_001211.6(BUB1B):c.958G>A (p.Glu320Lys)

Gene: BUB1B (BUB1 mitotic checkpoint serine/threonine kinase B; plus strand). Cytogenetic location: 15q15.1.
Variant type: single nucleotide variant.
Coding change: c.958G>A on transcript NM_001211.6 (MANE Select); coding-DNA position 958, G replaced by A.
Protein change: p.Glu320Lys; replaces glutamic acid 320 with lysine.
Molecular consequence: missense variant.
Genome position (GRCh38, 1-based): chr15:40,185,371, G>A. VCF-style: chr15-40185371-G-A. GRCh37 (hg19) VCF-style: chr15-40477572-G-A.
Other names: short protein forms E320K.
Identifiers: ClinVar variation 3483177 (VCV003483177.1).